The following is an entry in ClinVar:

NC_000011.10:g.(?_112094795)_(112094970_?)del

Gene: SDHD (succinate dehydrogenase complex subunit D; plus strand). Cytogenetic location: 11q23.1.
Variant type: Deletion.
Identifiers: ClinVar variation 832816 (VCV000832816.8).

ClinVar aggregate classification (germline): Pathogenic. Review status: criteria provided, single submitter (1 of 4 stars). 2 submissions from 1 submitter: Pathogenic (2). Last evaluated 2023-09-10.

Conditions:
Pheochromocytoma. Also called: MAX-Related Hereditary Paraganglioma-Pheochromocytoma Syndrome. Identifiers: Orphanet 29072, MedGen C0031511, MONDO:0008233, OMIM 171300, HP:0002666.
Paragangliomas with sensorineural hearing loss. Identifiers: MedGen C1868633.
Carney-Stratakis syndrome. Also called: PARAGANGLIOMA AND GASTROINTESTINAL STROMAL TUMOR. Identifiers: Orphanet 97286, MedGen C1847319, MONDO:0011740, OMIM 606864.
Cowden syndrome 3 (CWS3). Identifiers: Orphanet 201, MedGen CN166604, MONDO:0014045.
Pheochromocytoma/paraganglioma syndrome 1. Also called: PARAGANGLIOMAS, FAMILIAL NONCHROMAFFIN, 1; PGL 1; Paragangliomas familial 1; Paragangliomas 1; PARAGANGLIOMATA; Paraganglioma - glomus jugulare. Identifiers: Orphanet 29072, MedGen C3494181, MONDO:0008192, OMIM 168000.

Submissions (2):

Labcorp Genetics (formerly Invitae), Labcorp
Classification: Pathogenic for Carney-Stratakis syndrome; Paragangliomas with sensorineural hearing loss; Pheochromocytoma; Cowden syndrome 3. Last evaluated: 2023-09-10. Review status: criteria provided, single submitter. Criteria: Invitae Variant Classification Sherloc (09022015). Collection method: clinical testing. Allele origin: germline.
Comment: This variant is a gross deletion of the genomic region encompassing exon(s) 4 of the SDHD gene, which includes the termination codon. This deletion extends beyond the assayed region for this gene and therefore may encompass additional genes. While this deletion is not anticipated to lead to nonsense mediated decay, it is expected to alter mRNA translation or result in a truncated protein product. A similar copy number variant has been observed in individual(s) with paragangliomas, with many of the individuals presenting with single or multiple head and neck paragangliomas. Amongst the families, these variants were shown to segregate with disease in 20 of the affected individuals (PMID: 19454582, 20111059, 22382802). This variant disrupts a region of the SDHD protein in which other variant(s) (p.Gln109*) have been determined to be pathogenic (PMID: 11897817, 19454582, 25720320). This suggests that this is a clinically significant region of the protein, and that variants that disrupt it are likely to be disease-causing. For these reasons, this variant has been classified as Pathogenic.

Labcorp Genetics (formerly Invitae), Labcorp
Classification: Pathogenic for Paraganglioma and gastric stromal sarcoma; Paragangliomas 1; Pheochromocytoma; Cowden syndrome 3. Last evaluated: 2019-11-26. Review status: criteria provided, single submitter. Criteria: Invitae Variant Classification Sherloc (09022015). Collection method: clinical testing. Allele origin: germline.
Comment: This variant is a gross deletion of the genomic region encompassing exon 4 of the SDHD gene. The 5' boundary is likely confined to intron 3. The 3' end of this event is unknown as it extends through the termination codon beyond the assayed region for this gene and may encompass additional genes. While this deletion is not anticipated to result in nonsense mediated decay, it is expected to create a truncated protein product or disrupt mRNA translation. Similar deletions of exon 4 have been reported in at least 5 families affected with paragangliomas, with many of the individuals presenting with single or multiple head and neck paragangliomas. Amongst the families, these variants were shown to segregate with disease in 20 of the affected individuals (PMID: 19454582, 20111059, 22382802). In one of the studies, the deletion of exon 4 was suggested to be an Austrian founder mutation (PMID: 20111059). A founder mutation (p.Leu139Pro) has been reported in the deleted region (PMID: 21348866, 11391798), and a different truncation that occurs within the deleted region (p.Gln109*) has been determined to be pathogenic (PMID: 11897817, 19454582, 25720320). This suggests that deletion of this region of the SDHD protein is causative of disease. For these reasons, this variant has been classified as Pathogenic.

Literature cited by the submitters: PubMed 19454582; PubMed 20111059; PubMed 22382802; PubMed 11897817; PubMed 25720320; PubMed 21348866; PubMed 11391798.